The following is an entry in ClinVar:

ClinVar aggregate classification (germline): Pathogenic (1 of 4 stars; one submission).

Conditions:
Spastic paraplegia. Identifiers: MedGen C0037772, HP:0001258.

Submission:

Labcorp Genetics (formerly Invitae), Labcorp
Classification: Pathogenic for Spastic paraplegia. Last evaluated: 2021-03-22. Review status: criteria provided, single submitter. Criteria: Invitae Variant Classification Sherloc (09022015). Collection method: clinical testing. Allele origin: germline.
Comment: This variant is not present in population databases (ExAC no frequency). For these reasons, this variant has been classified as Pathogenic. This variant disrupts the C-terminus of the SACS protein. Other variant(s) that disrupt this region (p.Tyr4538*) have been determined to be pathogenic (Invitae). This suggests that variants that disrupt this region of the protein are likely to be causative of disease. This variant has not been reported in the literature in individuals with SACS-related conditions. This sequence change creates a premature translational stop signal (p.Tyr3367Leufs*6) in the SACS gene. While this is not anticipated to result in nonsense mediated decay, it is expected to disrupt the last 1213 amino acid(s) of the SACS protein.

NM_014363.6(SACS):c.10100_10121del (p.Tyr3367fs)

Gene: SACS (sacsin molecular chaperone; minus strand). Cytogenetic location: 13q12.12.
Variant type: Deletion.
Coding change: c.10100_10121del on transcript NM_014363.6 (MANE Select); coding-DNA positions 10100 to 10121, 22 bases deleted (ATATGGTCCAAACTTCAACATT).
Protein change: p.Tyr3367fs; shifts the reading frame from tyrosine 3367.
Molecular consequence: frameshift variant.
Genome position (GRCh38, 1-based): chr13:23,333,755-23,333,776, AATGTTGAAGTTTGGACCATAT deleted on the plus strand (ATATGGTCCAAACTTCAACATT on the coding strand, the reverse complement: SACS is on the minus strand); deleting any 22 consecutive bases within chr13:23,333,755-23,333,781 gives the same sequence; the c. name uses the placement nearest the transcript's 3' end. VCF-style (leftmost placement, unchanged base first): chr13-23333754-AAATGTTGAAGTTTGGACCATAT-A. GRCh37 (hg19) VCF-style: chr13-23907893-AAATGTTGAAGTTTGGACCATAT-A.
Other names: c.9659_9680del, p.Tyr3220fs (NM_001278055.2); short protein forms Y3220fs, Y3367fs.
Identifiers: ClinVar variation 1458156 (VCV001458156.8), dbSNP rs2137577673, ClinGen allele CA2573149138.